The following is an entry in ClinVar:

ClinVar aggregate classification (germline): Uncertain significance (1 of 4 stars; one submission).

gnomAD v4.1: 1 of 1,612,842 alleles (0.000062%); highest among the groups gnomAD compares: Non-Finnish European, 0.000085%; no homozygotes.

Submission:

Labcorp Genetics (formerly Invitae), Labcorp
Classification: Uncertain significance. Last evaluated: 2022-07-26. Review status: criteria provided, single submitter. Criteria: Invitae Variant Classification Sherloc (09022015). Collection method: clinical testing. Allele origin: germline.
Comment: In summary, the available evidence is currently insufficient to determine the role of this variant in disease. Therefore, it has been classified as a Variant of Uncertain Significance. Algorithms developed to predict the effect of missense changes on protein structure and function are either unavailable or do not agree on the potential impact of this missense change (SIFT: "Tolerated"; PolyPhen-2: "Probably Damaging"; Align-GVGD: "Class C0"). This variant has not been reported in the literature in individuals affected with RMND1-related conditions. This variant is present in population databases (no rsID available, gnomAD 0.0009%). This sequence change replaces lysine, which is basic and polar, with glutamic acid, which is acidic and polar, at codon 219 of the RMND1 protein (p.Lys219Glu).

NM_017909.4(RMND1):c.655A>G (p.Lys219Glu)

Gene: RMND1 (required for meiotic nuclear division 1 homolog; minus strand). Cytogenetic location: 6q25.1.
Variant type: single nucleotide variant.
Coding change: c.655A>G on transcript NM_017909.4 (MANE Select); coding-DNA position 655, A replaced by G.
Protein change: p.Lys219Glu; replaces lysine 219 with glutamic acid.
Molecular consequence: missense variant.
Genome position (GRCh38, 1-based): chr6:151,433,189, T>C on the plus strand (A>G on the coding strand, the complement: RMND1 is on the minus strand). VCF-style: chr6-151433189-T-C. GRCh37 (hg19) VCF-style: chr6-151754324-T-C.
Other names: c.145A>G, p.Lys49Glu (NM_001271937.2); short protein forms K219E, K49E.
Identifiers: ClinVar variation 1967517 (VCV001967517.5), dbSNP rs1171396601, ClinGen allele CA366062681.